The following is an entry in ClinVar:

ClinVar aggregate classification (germline): Uncertain significance. Review status: criteria provided, multiple submitters, no conflicts (2 of 4 stars). 2 submissions from 2 submitters: Uncertain significance (2). Last evaluated 2024-01-19.

Submissions (2):

Labcorp Genetics (formerly Invitae), Labcorp
Classification: Uncertain significance. Last evaluated: 2024-01-19. Review status: criteria provided, single submitter. Criteria: Invitae Variant Classification Sherloc (09022015). Collection method: clinical testing. Allele origin: germline.
Comment: This variant, c.901_903del, results in the deletion of 1 amino acid(s) of the COL18A1 protein (p.Glu301del), but otherwise preserves the integrity of the reading frame. This variant is present in population databases (rs765971874, gnomAD 0.01%). This variant has not been reported in the literature in individuals affected with COL18A1-related conditions. Experimental studies and prediction algorithms are not available or were not evaluated, and the functional significance of this variant is currently unknown. In summary, the available evidence is currently insufficient to determine the role of this variant in disease. Therefore, it has been classified as a Variant of Uncertain Significance.

Blueprint Genetics
Classification: Uncertain significance. Last evaluated: 2021-09-01. Review status: criteria provided, single submitter. Criteria: ACMG Guidelines, 2015. Collection method: clinical testing. Allele origin: germline.

NM_001379500.1(COL18A1):c.898GAG[1] (p.Glu301del)

Gene: COL18A1 (collagen type XVIII alpha 1 chain; plus strand). Cytogenetic location: 21q22.3.
Variant type: Microsatellite.
Coding change: c.898GAG[1] on transcript NM_001379500.1 (MANE Select); one copy of the 3-base unit GAG starting at c.898; the reference has two copies in a row; one copy, 3 bases deleted.
Protein change: p.Glu301del; deletes glutamic acid 301.
Molecular consequence: inframe deletion.
Genome position (GRCh38, 1-based): chr21:45,476,453-45,476,455, GAG deleted; deleting any 3 consecutive bases within chr21:45,476,450-45,476,455 gives the same sequence; the position shown is the placement nearest the transcript's 3' end. VCF-style (leftmost placement, unchanged base first): chr21-45476449-CGAG-C. GRCh37 (hg19) VCF-style: chr21-46896363-CGAG-C.
Other names: c.1438GAG[1], p.Glu481del (NM_030582.4); c.2143GAG[1], p.Glu716del (NM_130444.3); short protein forms E301del, E716del, E481del.
Identifiers: ClinVar variation 1036716 (VCV001036716.7), dbSNP rs765971874, ClinGen allele CA10065978.